The following is an entry in ClinVar:

NM_005732.4(RAD50):c.393_394insTT (p.Lys132fs)

Gene: RAD50 (RAD50 double strand break repair protein; plus strand). Cytogenetic location: 5q31.1.
Variant type: Insertion.
Coding change: c.393_394insTT on transcript NM_005732.4 (MANE Select); coding-DNA positions 393 to 394, TT inserted.
Protein change: p.Lys132fs; shifts the reading frame from lysine 132.
Molecular consequence: frameshift variant.
Genome position: GRCh38 VCF-style: chr5-132579343-C-CTT. GRCh37 (hg19) VCF-style: chr5-131915035-C-CTT.
Other names: short protein forms K132fs.
Identifiers: ClinVar variation 576042 (VCV000576042.13), dbSNP rs1458900761, ClinGen allele CA563057407.

ClinVar aggregate classification (germline): Pathogenic/Likely pathogenic. Review status: criteria provided, multiple submitters, no conflicts (2 of 4 stars). 3 submissions from 3 submitters: Pathogenic (2); Likely pathogenic (1). Last evaluated 2023-01-20.

Conditions:
Hereditary cancer-predisposing syndrome. Also called: Neoplastic Syndromes, Hereditary; Hereditary Cancer Syndrome; Hereditary neoplastic syndrome; Tumor predisposition. Identifiers: Orphanet 140162, MedGen C0027672, MeSH D009386, MONDO:0015356.
Nijmegen breakage syndrome-like disorder (NBSLD). Also called: MICROCEPHALY AND SPONTANEOUS CHROMOSOME INSTABILITY WITHOUT IMMUNODEFICIENCY; NBS-LIKE DISORDER; RAD50 DEFICIENCY. Identifiers: Orphanet 240760, MedGen C2751318, MONDO:0013118, OMIM 613078.

Submissions (3):

Labcorp Genetics (formerly Invitae), Labcorp
Classification: Pathogenic for Hereditary cancer-predisposing syndrome. Last evaluated: 2023-01-20. Review status: criteria provided, single submitter. Criteria: Invitae Variant Classification Sherloc (09022015). Collection method: clinical testing. Allele origin: germline.
Comment: For these reasons, this variant has been classified as Pathogenic. ClinVar contains an entry for this variant (Variation ID: 576042). This variant has not been reported in the literature in individuals affected with RAD50-related conditions. This variant is present in population databases (no rsID available, gnomAD 0.007%). This sequence change creates a premature translational stop signal (p.Lys132Leufs*10) in the RAD50 gene. It is expected to result in an absent or disrupted protein product. Loss-of-function variants in RAD50 are known to be pathogenic (PMID: 19409520).

Ambry Genetics
Classification: Pathogenic for Hereditary cancer-predisposing syndrome. Last evaluated: 2019-08-02. Review status: criteria provided, single submitter. Criteria: Ambry Variant Classification Scheme 2023. Collection method: clinical testing. Allele origin: germline.
Comment: The c.393_394insTT pathogenic mutation, located in coding exon 4 of the RAD50 gene, results from an insertion of two nucleotides at position 393, causing a translational frameshift with a predicted alternate stop codon (p.K132Lfs*10). This alteration is expected to result in loss of function by premature protein truncation or nonsense-mediated mRNA decay. As such, this alteration is interpreted as a disease-causing mutation.

Genesis Genomics
Classification: Likely pathogenic for Nijmegen breakage syndrome-like disorder. Review status: criteria provided, single submitter. Criteria: ACMG Guidelines, 2015. Collection method: clinical testing. Allele origin: germline. Affected: yes. Observed: 1 variant allele.

Literature cited by the submitters: PubMed 19409520 (cited by Labcorp Genetics (formerly Invitae), Labcorp).